The following is an entry in ClinVar:

NM_000089.4(COL1A2):c.2290C>G (p.Pro764Ala)

Gene: COL1A2 (collagen type I alpha 2 chain; plus strand). Cytogenetic location: 7q21.3.
Variant type: single nucleotide variant.
Coding change: c.2290C>G on transcript NM_000089.4 (MANE Select); coding-DNA position 2290, C replaced by G.
Protein change: p.Pro764Ala; replaces proline 764 with alanine.
Molecular consequence: missense variant.
Genome position (GRCh38, 1-based): chr7:94,420,643, C>G. VCF-style: chr7-94420643-C-G. GRCh37 (hg19) VCF-style: chr7-94049955-C-G.
Other names: short protein forms P764A.
Identifiers: ClinVar variation 4793026 (VCV004793026.1).
Genomic context (GRCh38, chr7:94,420,643, plus strand): 5'-AAAGGGCCTAAGGGTGAAAACGGTGTTGTTGGTCCCACAGGCCCCGTTGGAGCTGCTGGC[C>G]CAGCTGTAAGTTGAATTCACTGGTGGTCCACACAGCAGCTACCCATTAGATCTTCCAATT-3'
Protein context (NP_000080.2, residues 754-774): GPTGPVGAAG[Pro764Ala]AGPNGPPGPA

ClinVar aggregate classification (germline): Uncertain significance (1 of 4 stars; one submission).

Conditions:
Ehlers-Danlos syndrome, classic type, 1 (EDSCL1). Also called: EHLERS-DANLOS SYNDROME, GRAVIS TYPE; EHLERS-DANLOS SYNDROME, SEVERE CLASSIC TYPE; Ehlers-Danlos syndrome, type 1; Ehlers-Danlos Syndrome, Classic Type, COL5A1-Related; EDS I. Identifiers: MedGen C0268335, MONDO:0019567, OMIM 130000.
Osteogenesis imperfecta type I (OI1). Also called: OI, TYPE I; OSTEOGENESIS IMPERFECTA TARDA; OSTEOGENESIS IMPERFECTA WITH BLUE SCLERAE; Osteogenesis imperfecta type 1; Lobstein's Disease; Lobstein disease. Identifiers: Orphanet 216796, Orphanet 666, MedGen C0023931, MONDO:0008146, OMIM 166200. Disease mechanism: loss of function.

Submission:

Labcorp Genetics (formerly Invitae), Labcorp
Classification: Uncertain significance for Osteogenesis imperfecta type I; Ehlers-Danlos syndrome, classic type, 1. Last evaluated: 2025-06-10. Review status: criteria provided, single submitter. Criteria: Invitae Variant Classification Sherloc (09022015). Collection method: clinical testing. Allele origin: germline.
Comment: This sequence change replaces proline, which is neutral and non-polar, with alanine, which is neutral and non-polar, at codon 764 of the COL1A2 protein (p.Pro764Ala). This variant is not present in population databases (gnomAD no frequency). This variant has not been reported in the literature in individuals affected with COL1A2-related conditions. Invitae Evidence Modeling of protein sequence and biophysical properties (such as structural, functional, and spatial information, amino acid conservation, physicochemical variation, residue mobility, and thermodynamic stability) indicates that this missense variant is not expected to disrupt COL1A2 protein function with a negative predictive value of 95%. In summary, the available evidence is currently insufficient to determine the role of this variant in disease. Therefore, it has been classified as a Variant of Uncertain Significance.